The following is an entry in ClinVar:

ClinVar aggregate classification (germline): Uncertain significance (1 of 4 stars; one submission).

Conditions:
Familial thoracic aortic aneurysm and aortic dissection (TAAD). Also called: Thoracic aortic aneurysms and dissections. Identifiers: Orphanet 91387, MedGen C4707243, MONDO:0019625.

Submission:

Ambry Genetics
Classification: Uncertain significance for Familial thoracic aortic aneurysm and aortic dissection. Last evaluated: 2024-08-12. Review status: criteria provided, single submitter. Criteria: Ambry Variant Classification Scheme 2023. Collection method: clinical testing. Allele origin: germline.
Comment: The p.A597T variant (also known as c.1789G>A), located in coding exon 6 of the SKI gene, results from a G to A substitution at nucleotide position 1789. The alanine at codon 597 is replaced by threonine, an amino acid with similar properties. This amino acid position is conserved. In addition, the in silico prediction for this alteration is inconclusive. Based on the available evidence, the clinical significance of this variant remains unclear.

NM_003036.4(SKI):c.1789G>A (p.Ala597Thr)

Gene: SKI (SKI proto-oncogene; plus strand). Cytogenetic location: 1p36.32.
Variant type: single nucleotide variant.
Coding change: c.1789G>A on transcript NM_003036.4 (MANE Select); coding-DNA position 1789, G replaced by A.
Protein change: p.Ala597Thr; replaces alanine 597 with threonine.
Molecular consequence: missense variant.
Genome position (GRCh38, 1-based): chr1:2,306,041, G>A. VCF-style: chr1-2306041-G-A. GRCh37 (hg19) VCF-style: chr1-2237480-G-A.
Other names: short protein forms A597T.
Identifiers: ClinVar variation 3442289 (VCV003442289.1).